The following is an entry in ClinVar:

ClinVar aggregate classification (germline): Pathogenic (1 of 4 stars; one submission).

Conditions:
Cataract 4 multiple types. Also called: CATARACT 4, MULTIPLE TYPES, WITH OR WITHOUT MICROCORNEA; CATARACT 4 WITH MICROCORNEA; CATARACT 4, PUNCTATE; CATARACT 4, CRYSTALLINE; CATARACT 4, CENTRAL NUCLEAR; CATARACT 4, NONNUCLEAR POLYMORPHIC CONGENITAL. Identifiers: Orphanet 1377, MedGen C3540850, MONDO:0007281, OMIM 115700.

Submission:

Ophthalmic Genetics, Al-Shifa Trust Eye Hospital Rawalpindi
Classification: Pathogenic for Cataract 4 multiple types. Last evaluated: 2026-08-28. Review status: criteria provided, single submitter. Criteria: Submitter's publication. Collection method: research. Allele origin: de novo. Inheritance: Autosomal dominant inheritance. Affected: yes.
Comment: The NM_001001331.4(ATP2B2):c.416delG (p.Gly139ValfsTer75) variant is a single nucleotide deletion that causes a frameshift at codon 139, introducing a premature termination codon 75 residues into the new reading frame and predicted to result in nonsense-mediated mRNA decay of the aberrant transcript, consistent with loss of functional PMCA2 protein and invoking PVS1 at full weight. The variant is absent from the gnomAD population database at all sites with sufficient sequencing coverage, supporting PM2. No prior ClinVar submissions exist for this variant. In aggregate, the evidence accumulates 10 pathogenic classification points with zero benign evidence, supporting a classification of Pathogenic.

NM_001001331.4(ATP2B2):c.416del (p.Gly139fs)

Gene: ATP2B2 (ATPase plasma membrane Ca2+ transporting 2; minus strand). Cytogenetic location: 3p25.3.
Variant type: Deletion.
Coding change: c.416del on transcript NM_001001331.4 (MANE Select); coding-DNA position 416, one base deleted (G; older notation c.416delG).
Protein change: p.Gly139fs; shifts the reading frame from glycine 139.
Molecular consequence: frameshift variant.
Genome position (GRCh38, 1-based): chr3:10,402,330, C deleted on the plus strand (G on the coding strand, the reverse complement: ATP2B2 is on the minus strand); the first of 3 consecutive C bases (chr3:10,402,330-10,402,332); deleting any one gives the same sequence. VCF-style (leftmost placement, unchanged base first): chr3-10402329-AC-A. GRCh37 (hg19) VCF-style: chr3-10444013-AC-A.
Other names: c.416del, p.Gly139fs (NM_001330611.3, NM_001353564.1, NM_001363862.1 and 3 more transcripts); short protein forms G139fs.
Identifiers: ClinVar variation 4975002 (VCV004975002.1).